The following is an entry in ClinVar:

ClinVar aggregate classification (germline): Uncertain significance (1 of 4 stars; one submission).

Conditions:
Cardiovascular phenotype. Identifiers: MedGen CN230736.

gnomAD v4.1: 2 of 1,614,094 alleles (0.00012%); highest among the groups gnomAD compares: Non-Finnish European, 0.00017%; no homozygotes.

Submission:

Ambry Genetics
Classification: Uncertain significance for Cardiovascular phenotype. Last evaluated: 2026-08-16. Review status: criteria provided, single submitter. Criteria: Ambry Variant Classification Scheme 2023. Collection method: clinical testing. Allele origin: germline.
Comment: The p.S163T variant (also known as c.487T>A), located in coding exon 2 of the GDF2 gene, results from a T to A substitution at nucleotide position 487. The serine at codon 163 is replaced by threonine, an amino acid with similar properties. This amino acid position is conserved. Based on the available evidence, the clinical significance of this variant remains unclear.

NM_016204.4(GDF2):c.487T>A (p.Ser163Thr)

Gene: GDF2 (growth differentiation factor 2; plus strand). Cytogenetic location: 10q11.22.
Variant type: single nucleotide variant.
Coding change: c.487T>A on transcript NM_016204.4 (MANE Select); coding-DNA position 487, T replaced by A.
Protein change: p.Ser163Thr; replaces serine 163 with threonine.
Molecular consequence: missense variant.
Genome position (GRCh38, 1-based): chr10:47,324,981, T>A. VCF-style: chr10-47324981-T-A. GRCh37 (hg19) VCF-style: chr10-48414381-A-T.
Other names: short protein forms S163T.
Identifiers: ClinVar variation 5022269 (VCV005022269.1).
Genomic context (GRCh38, chr10:47,324,981, plus strand): 5'-GAGCAGATCACCAGAGCTGAGCTCCGACTCTATGTCTCCTGTCAAAATCACGTGGACCCC[T>A]CTCATGACCTGAAAGGAAGCGTGGTCATTTATGATGTTCTGGATGGAACAGATGCCTGGG-3'
Protein context (NP_057288.1, residues 153-173): YVSCQNHVDP[Ser163Thr]HDLKGSVVIY